The following is an entry in ClinVar:

ClinVar aggregate classification (germline): Likely pathogenic. Review status: criteria provided, multiple submitters, no conflicts (2 of 4 stars). 4 submissions from 4 submitters: Likely pathogenic (2). 2 of the submissions do not count toward it. Last evaluated 2025-10-08.

Conditions:
Mucopolysaccharidosis, MPS-IV-B (MPS4B). Also called: Mucopolysaccharidosis type 4B; Mucopolysaccharidosis type IV B; Mucopolysaccharidosis type IVB (Morquio); Mucopolysaccharidosis Type IVB (Morquio B Disease); MPS IVB; MORQUIO SYNDROME B. Identifiers: Orphanet 309310, Orphanet 582, MedGen C0086652, MONDO:0009660, OMIM 253010.
GM1 gangliosidosis type 2. Also called: GANGLIOSIDOSIS, GENERALIZED GM1, JUVENILE TYPE; GANGLIOSIDOSIS, GENERALIZED GM1, TYPE II; Gangliosidosis, Generalized GM1, Type 2; GM1-GANGLIOSIDOSIS, TYPE II; Juvenile GM>1< gangliosidosis. Identifiers: Orphanet 354, Orphanet 79256, MedGen C0268272, MONDO:0009261, OMIM 230600.
Infantile GM1 gangliosidosis. Also called: Gangliosidosis, Generalized GM1, Type 1; GM1 gangliosidosis type 1; GM1-gangliosidosis, type I; Gangliosidosis, generalized GM1, infantile form; GLB1 deficiency. Identifiers: Orphanet 354, Orphanet 79255, MedGen C0268271, MONDO:0009260, OMIM 230500.
GM1 gangliosidosis type 3. Also called: GANGLIOSIDOSIS, GENERALIZED GM1, ADULT TYPE; GANGLIOSIDOSIS, GENERALIZED GM1, CHRONIC TYPE; Gangliosidosis, Generalized GM1, Type 3; GM1-GANGLIOSIDOSIS, TYPE III; Beta-galactosidase deficiency; Adult GM1 gangliosidosis. Identifiers: Orphanet 79257, MedGen C0268273, MONDO:0009262, OMIM 230650.
GLB1-related disorder. Also called: GLB1-related disorders. Identifiers: MedGen CN377807.
GM1 gangliosidosis. Identifiers: Orphanet 354, MedGen C0085131, MONDO:0018149.

Allele frequency attached by ClinVar (database versions not stated): gnomAD 0.00001 and 0.00002; gnomAD exomes 0.00001; TOPMed 0.00002.
gnomAD v4.1: 14 of 1,613,934 alleles (0.00087%); highest among the groups gnomAD compares: Non-Finnish European, 0.0011%; no homozygotes.

Submissions (5):

Women's Health and Genetics/Laboratory Corporation of America, LabCorp
Classification: Likely pathogenic for Mucopolysaccharidosis, MPS-IV-B. Last evaluated: 2025-10-08. Review status: criteria provided, single submitter. Criteria: LabCorp Variant Classification Summary - May 2015. Collection method: clinical testing. Allele origin: germline.
Comment: Variant summary: GLB1 c.734-8A>G alters a nucleotide located at a position not widely known to affect splicing. Several computational tools predict a significant impact on normal splicing: One predict the variant abolishes a 3' acceptor site. Two predict the variant weakens a 3' acceptor site. Four predict the variant creates a 3' acceptor site. However, these predictions have yet to be confirmed by functional studies. The variant allele was found at a frequency of 8e-06 in 249454 control chromosomes. c.734-8A>G has been observed in individual(s) affected with Mucopolysaccharidosis Type IVB (Morquio Syndrome B) (Hofer_2010, Uttarilli_2019, Almeida_2022, Sheth_2024, external_communication). These data indicate that the variant is likely to be associated with disease. To our knowledge, no experimental evidence demonstrating an impact on protein function has been reported. The following publications have been ascertained in the context of this evaluation (PMID: 20175788, 30408610, 35614200, 38730490). ClinVar contains an entry for this variant (Variation ID: 92912). Based on the evidence outlined above, the variant was classified as likely pathogenic.

Blueprint Genetics
Classification: Likely pathogenic for GLB1-related disorders. Last evaluated: 2022-01-07. Review status: criteria provided, single submitter. Criteria: ACMG Guidelines, 2015. Collection method: clinical testing. Allele origin: germline. Affected: yes. Observed: 2 variant alleles.

Dr. Peter K. Rogan Lab, Western University
No classification provided (evidence only). Condition: Lung cancer. Review status: no classification provided. Collection method: in vitro. Allele origin: not applicable. Functional consequence: retained intron. Not counted in ClinVar's aggregate classification.

Counsyl
Classification: Uncertain significance for Infantile GM1 gangliosidosis; GM1 gangliosidosis type 2; GM1 gangliosidosis type 3; Mucopolysaccharidosis, MPS-IV-B. Last evaluated: 2017-09-12. Review status: flagged submission. Collection method: clinical testing. Allele origin: unknown. Not counted in ClinVar's aggregate classification.
ClinVar note: Reason: Older claim that does not account for recent evidence

Eurofins Ntd Llc (ga)
Classification: Uncertain significance. Last evaluated: 2014-05-19. Review status: flagged submission. Criteria: EGL Classification Definitions 2015. Collection method: clinical testing. Allele origin: germline. Observed: 2 variant alleles, 2 heterozygotes. Not counted in ClinVar's aggregate classification.
ClinVar note: Reason: Older claim that does not account for recent evidence

Literature cited by the submitters: PubMed 20175788 (cited by Women's Health and Genetics/Laboratory Corporation of America, LabCorp and Counsyl); PubMed 30408610 (cited by Women's Health and Genetics/Laboratory Corporation of America, LabCorp); PubMed 35614200 (cited by Women's Health and Genetics/Laboratory Corporation of America, LabCorp); PubMed 38730490 (cited by Women's Health and Genetics/Laboratory Corporation of America, LabCorp).

NM_000404.4(GLB1):c.734-8A>G

Gene: GLB1 (galactosidase beta 1; minus strand). Cytogenetic location: 3p22.3.
Variant type: single nucleotide variant.
Coding change: c.734-8A>G on transcript NM_000404.4 (MANE Select); 8 bases into the intron before coding-DNA position 734, A replaced by G.
Molecular consequence: intron variant.
Genome position (GRCh38, 1-based): chr3:33,053,557, T>C on the plus strand (A>G on the coding strand, the complement: GLB1 is on the minus strand). VCF-style: chr3-33053557-T-C. GRCh37 (hg19) VCF-style: chr3-33095049-T-C.
Other names: c.734-8A>G (NM_001393580.1, NM_000404.3); c.341-8A>G (NM_001135602.3); c.878-8A>G (NM_001317040.2); c.644-8A>G (NM_001079811.3).
Identifiers: ClinVar variation 92912 (VCV000092912.11), dbSNP rs398123357, ClinGen allele CA220723.